The following is an entry in ClinVar:

ClinVar aggregate classification (germline): Benign/Likely benign. Review status: criteria provided, multiple submitters, no conflicts (2 of 4 stars). 4 submissions from 4 submitters: Benign (1); Likely benign (3). Last evaluated 2025-05-26.

Conditions:
Diabetic retinopathy. Identifiers: MedGen C0011884, MONDO:0005266.

Allele frequency attached by ClinVar (database versions not stated): ESP Exome Variant Server 0.00008; gnomAD exomes 0.00028 and 0.00114; gnomAD 0.00037 and 0.00039; TOPMed 0.00068; ExAC 0.00142.
gnomAD v4.1: 385 of 1,322,832 alleles (0.029%); highest among the groups gnomAD compares: Admixed American, 0.6%; no homozygotes.

Submissions (4):

ARUP Laboratories, Molecular Genetics and Genomics, ARUP Laboratories
Classification: Benign. Last evaluated: 2025-05-26. Review status: criteria provided, single submitter. Criteria: ARUP Molecular Germline Variant Investigation Process 2024. Collection method: clinical testing. Allele origin: germline.

Blueprint Genetics
Classification: Likely benign. Last evaluated: 2024-11-18. Review status: criteria provided, single submitter. Criteria: ACMG Guidelines, 2015. Collection method: clinical testing. Allele origin: germline.

GeneDx
Classification: Likely benign. Last evaluated: 2017-10-23. Review status: criteria provided, single submitter. Criteria: GeneDx Variant Classification (06012015). Collection method: clinical testing. Allele origin: germline. Affected: yes.
Comment: This variant is considered likely benign or benign based on one or more of the following criteria: it is a conservative change, it occurs at a poorly conserved position in the protein, it is predicted to be benign by multiple in silico algorithms, and/or has population frequency not consistent with disease.

Clinical Genomics, Uppaluri K&H Personalized Medicine Clinic
Classification: Likely benign for Diabetic retinopathy. Review status: criteria provided, single submitter. Criteria: K And H Uppaluri Personalized Medicine Clinic Variant Classification And Assertion Criteria Updated V 2. Collection method: research. Allele origin: unknown.
Comment: Potent mutations in TGFBR2 gene encodes the transforming growth factor that have been associated with angiogenesis and diabetic retinopathy. More clinical studies are needed for stronger association. However, more evidence is required to confer the association of this particular variant rs375610471 with diabetic retinopathy.

Literature cited by the submitters: PubMed 30222965 (cited by Clinical Genomics, Uppaluri K&H Personalized Medicine Clinic); PubMed 28162229 (cited by Clinical Genomics, Uppaluri K&H Personalized Medicine Clinic); PubMed 34572573 (cited by Clinical Genomics, Uppaluri K&H Personalized Medicine Clinic).

NM_003242.6(TGFBR2):c.94+16202A>G

Gene: TGFBR2 (transforming growth factor beta receptor 2; plus strand). Cytogenetic location: 3p24.1.
Variant type: single nucleotide variant.
Coding change: c.94+16202A>G on transcript NM_003242.6 (MANE Select); 16202 bases into the intron after coding-DNA position 94, A replaced by G.
Molecular consequence: intron variant.
Genome position (GRCh38, 1-based): chr3:30,623,179, A>G. VCF-style: chr3-30623179-A-G. GRCh37 (hg19) VCF-style: chr3-30664671-A-G.
Other names: c.-12+16586A>G (NM_001407129.1, NM_001407132.1); c.-199-20A>G (NM_001407136.1); c.-189-20A>G (NM_001407133.1); c.95-20A>G (NM_001407126.1, NM_001024847.3, NM_001407139.1 and 1 more transcripts); c.-114-9565A>G (NM_001407135.1); c.-67-11561A>G (NM_001407134.1); c.94+16202A>G (NM_001407127.1, NM_001407130.1, NM_001407138.1); c.47-20A>G (NM_001407128.1).
Identifiers: ClinVar variation 378726 (VCV000378726.11), dbSNP rs375610471, ClinGen allele CA050336.